The following is an entry in ClinVar:

ClinVar aggregate classification (germline): Conflicting classifications of pathogenicity. Review status: criteria provided, conflicting classifications (1 of 4 stars). 9 submissions from 5 submitters: Uncertain significance (3); Benign (1); Likely benign (5). Last evaluated 2025-11-25.

Conditions:
Cardiovascular phenotype. Identifiers: MedGen CN230736.
Myopathy, myofibrillar, 9, with early respiratory failure (MFM9). Also called: Myopathy, distal, with early respiratory failure, autosomal dominant; EDSTROM MYOPATHY; Hereditary myopathy with early respiratory failure; MYOPATHY, PROXIMAL, WITH EARLY RESPIRATORY MUSCLE INVOLVEMENT. Identifiers: Orphanet 178464, Orphanet 34521, MedGen C1863599, MONDO:0011362, OMIM 603689.
Autosomal recessive limb-girdle muscular dystrophy type 2J (LGMDR10). Also called: MUSCULAR DYSTROPHY, LIMB-GIRDLE, AUTOSOMAL RECESSIVE 10; Limb-girdle muscular dystrophy, type 2J. Identifiers: Orphanet 140922, MedGen C1837342, MONDO:0012127, OMIM 608807.
Tibial muscular dystrophy (TMD). Also called: Udd Distal Myopathy – Tibial Muscular Dystrophy; Tibial muscular dystrophy, tardive; UDD MYOPATHY. Identifiers: Orphanet 609, MedGen C1838244, MONDO:0010870, OMIM 600334.
Dilated cardiomyopathy 1G (CMD1G). Identifiers: Orphanet 154, MedGen C1858763, MONDO:0011400, OMIM 604145.
TTN-related disorder. Also called: TTN-related condition; TTN-related disease; TTN-related disorders.
Early-onset myopathy with fatal cardiomyopathy (CMYO5). Also called: CONGENITAL MYOPATHY 5 WITH CARDIOMYOPATHY; Salih Myopathy. Identifiers: Orphanet 289377, MedGen C2673677, MONDO:0012714, OMIM 611705. Disease mechanism: loss of function.

Allele frequency attached by ClinVar (database versions not stated): ExAC 0.00003; gnomAD 0.00004; ESP Exome Variant Server 0.00008; gnomAD exomes 0.00001 and 0.00002; TOPMed 0.00002.
gnomAD v4.1: 21 of 1,594,718 alleles (0.0013%); highest among the groups gnomAD compares: Non-Finnish European, 0.0016%; no homozygotes.

Submissions (9):

Labcorp Genetics (formerly Invitae), Labcorp
Classification: Likely benign for Dilated cardiomyopathy 1G; Autosomal recessive limb-girdle muscular dystrophy type 2J. Last evaluated: 2025-11-25. Review status: criteria provided, single submitter. Criteria: Invitae Variant Classification Sherloc (09022015). Collection method: clinical testing. Allele origin: germline.

PreventionGenetics, part of Exact Sciences
Classification: Likely benign for TTN-related condition. Last evaluated: 2025-09-22. Review status: criteria provided, single submitter. Criteria: ACMG Guidelines, 2015. Collection method: clinical testing. Allele origin: germline.
Comment: This variant is classified as likely benign based on ACMG/AMP sequence variant interpretation guidelines (Richards et al. 2015 PMID: 25741868, with internal and published modifications).

Ambry Genetics
Classification: Likely benign for Cardiovascular phenotype. Last evaluated: 2022-11-15. Review status: criteria provided, single submitter. Criteria: Ambry Variant Classification Scheme 2023. Collection method: clinical testing. Allele origin: germline.

GeneDx
Classification: Likely benign. Last evaluated: 2021-05-20. Review status: criteria provided, single submitter. Criteria: GeneDx Variant Classification Process June 2021. Collection method: clinical testing. Allele origin: germline. Affected: yes.

Illumina Laboratory Services, Illumina
Classification: Uncertain significance for Dilated cardiomyopathy 1G. Last evaluated: 2018-01-12. Review status: criteria provided, single submitter. Criteria: ICSL Variant Classification Criteria 13 December 2019. Collection method: clinical testing. Allele origin: germline.

Illumina Laboratory Services, Illumina
Classification: Likely benign for Myopathy, myofibrillar, 9, with early respiratory failure. Last evaluated: 2018-01-12. Review status: criteria provided, single submitter. Criteria: ICSL Variant Classification Criteria 13 December 2019. Collection method: clinical testing. Allele origin: germline.
Comment: This variant was observed in the ICSL laboratory as part of a predisposition screen in an ostensibly healthy population. It had not been previously curated by ICSL or reported in the Human Gene Mutation Database (HGMD: prior to June 1st, 2018), and was therefore a candidate for classification through an automated scoring system. Utilizing variant allele frequency, disease prevalence and penetrance estimates, and inheritance mode, an automated score was calculated to assess if this variant is too frequent to cause the disease. Based on the score and internal cut-off values, a variant classified as likely benign is not then subjected to further curation. The score for this variant resulted in a classification of likely benign for this disease.

Illumina Laboratory Services, Illumina
Classification: Benign for Tibial muscular dystrophy. Last evaluated: 2018-01-12. Review status: criteria provided, single submitter. Criteria: ICSL Variant Classification Criteria 13 December 2019. Collection method: clinical testing. Allele origin: germline.
Comment: This variant was observed in the ICSL laboratory as part of a predisposition screen in an ostensibly healthy population. It had not been previously curated by ICSL or reported in the Human Gene Mutation Database (HGMD: prior to June 1st, 2018), and was therefore a candidate for classification through an automated scoring system. Utilizing variant allele frequency, disease prevalence and penetrance estimates, and inheritance mode, an automated score was calculated to assess if this variant is too frequent to cause the disease. Based on the score and internal cut-off values, a variant classified as benign is not then subjected to further curation. The score for this variant resulted in a classification of benign for this disease.

Illumina Laboratory Services, Illumina
Classification: Uncertain significance for Early-onset myopathy with fatal cardiomyopathy. Last evaluated: 2018-01-12. Review status: criteria provided, single submitter. Criteria: ICSL Variant Classification Criteria 13 December 2019. Collection method: clinical testing. Allele origin: germline.

Illumina Laboratory Services, Illumina
Classification: Uncertain significance for Autosomal recessive limb-girdle muscular dystrophy type 2J. Last evaluated: 2018-01-12. Review status: criteria provided, single submitter. Criteria: ICSL Variant Classification Criteria 13 December 2019. Collection method: clinical testing. Allele origin: germline.

NM_001267550.2(TTN):c.78756T>C (p.Ile26252=)

Genes: TTN (titin; minus strand), TTN-AS1 (TTN antisense RNA 1; plus strand). Cytogenetic location: 2q31.2.
Variant type: single nucleotide variant.
Coding change: c.78756T>C on transcript NM_001267550.2 (MANE Select); coding-DNA position 78756, T replaced by C.
Protein change: p.Ile26252=; no amino-acid change (isoleucine 26252 retained).
Molecular consequence: synonymous variant.
Genome position (GRCh38, 1-based): chr2:178,567,376, A>G on the plus strand (T>C on the coding strand, the complement: TTN is on the minus strand). VCF-style: chr2-178567376-A-G. GRCh37 (hg19) VCF-style: chr2-179432103-A-G.
Other names: c.73833T>C, p.Ile24611= (NM_001256850.1); c.51561T>C, p.Ile17187= (NM_003319.4); c.71052T>C, p.Ile23684= (NM_133378.4); c.51936T>C, p.Ile17312= (NM_133432.3); c.52137T>C, p.Ile17379= (NM_133437.4).
Identifiers: ClinVar variation 535517 (VCV000535517.32), dbSNP rs372319281, ClinGen allele CA1989568.